The following is an entry in ClinVar:

NM_020381.4(PDSS2):c.1046G>A (p.Arg349Gln)

Gene: PDSS2 (decaprenyl diphosphate synthase subunit 2; minus strand). Cytogenetic location: 6q21.
Variant type: single nucleotide variant.
Coding change: c.1046G>A on transcript NM_020381.4 (MANE Select); coding-DNA position 1046, G replaced by A.
Protein change: p.Arg349Gln; replaces arginine 349 with glutamine.
Molecular consequence: missense variant.
Genome position (GRCh38, 1-based): chr6:107,154,773, C>T on the plus strand (G>A on the coding strand, the complement: PDSS2 is on the minus strand). VCF-style: chr6-107154773-C-T. GRCh37 (hg19) VCF-style: chr6-107475977-C-T.
Other names: short protein forms R349Q.
Identifiers: ClinVar variation 214989 (VCV000214989.49), dbSNP rs201388841, ClinGen allele CA320177.

ClinVar aggregate classification (germline): Conflicting classifications of pathogenicity. Review status: criteria provided, conflicting classifications (1 of 4 stars). 10 submissions from 10 submitters: Uncertain significance (6); Likely benign (3). 1 of the submissions does not count toward it. Last evaluated 2026-05-01.

Conditions:
Inborn genetic diseases. Identifiers: MedGen C0950123, MeSH D030342.
PDSS2-related disorder. Also called: PDSS2-related condition.
Coenzyme Q10 deficiency, primary, 3 (COQ10D3). Identifiers: Orphanet 255249, MedGen C3553358, MONDO:0013838, OMIM 614652.

Allele frequency attached by ClinVar (database versions not stated): ExAC 0.00022; ESP Exome Variant Server 0.00023; gnomAD 0.00025 and 0.00027; gnomAD exomes 0.00025 and 0.00070; TOPMed 0.00034.
gnomAD v4.1: 1,046 of 1,613,828 alleles (0.065%); highest among the groups gnomAD compares: Non-Finnish European, 0.085%; 1 homozygote.

Submissions (10):

CeGaT Center for Human Genetics Tuebingen
Classification: Likely benign. Last evaluated: 2026-05-01. Review status: criteria provided, single submitter. Criteria: CeGaT Center For Human Genetics Tuebingen Variant Classification Criteria Version 2. Collection method: clinical testing. Allele origin: germline. Affected: yes. Observed: 6 variant alleles.
Comment: PDSS2: BP4

GeneDx
Classification: Uncertain significance. Last evaluated: 2024-10-07. Review status: criteria provided, single submitter. Criteria: GeneDx Variant Classification Process June 2021. Collection method: clinical testing. Allele origin: germline. Affected: yes.
Comment: In silico analysis indicates that this missense variant does not alter protein structure/function; Has not been previously published as pathogenic or benign to our knowledge

Blueprint Genetics
Classification: Likely benign. Last evaluated: 2024-09-24. Review status: criteria provided, single submitter. Criteria: ACMG Guidelines, 2015. Collection method: clinical testing. Allele origin: germline.

Fulgent Genetics
Classification: Likely benign for Coenzyme Q10 deficiency, primary, 3. Last evaluated: 2024-04-05. Review status: criteria provided, single submitter. Criteria: ACMG Guidelines, 2015. Collection method: clinical testing. Allele origin: germline.

Ambry Genetics
Classification: Uncertain significance for Inborn genetic diseases. Last evaluated: 2023-01-10. Review status: criteria provided, single submitter. Criteria: Ambry Variant Classification Scheme 2023. Collection method: clinical testing. Allele origin: germline.

Labcorp Genetics (formerly Invitae), Labcorp
Classification: Uncertain significance. Last evaluated: 2022-09-24. Review status: criteria provided, single submitter. Criteria: Invitae Variant Classification Sherloc (09022015). Collection method: clinical testing. Allele origin: germline.
Comment: This sequence change replaces arginine, which is basic and polar, with glutamine, which is neutral and polar, at codon 349 of the PDSS2 protein (p.Arg349Gln). This variant is present in population databases (rs201388841, gnomAD 0.05%). This variant has not been reported in the literature in individuals affected with PDSS2-related conditions. ClinVar contains an entry for this variant (Variation ID: 214989). Advanced modeling of protein sequence and biophysical properties (such as structural, functional, and spatial information, amino acid conservation, physicochemical variation, residue mobility, and thermodynamic stability) performed at Invitae indicates that this missense variant is not expected to disrupt PDSS2 protein function. In summary, the available evidence is currently insufficient to determine the role of this variant in disease. Therefore, it has been classified as a Variant of Uncertain Significance.

Mayo Clinic Laboratories, Mayo Clinic
Classification: Uncertain significance. Last evaluated: 2020-06-23. Review status: criteria provided, single submitter. Criteria: ACMG Guidelines, 2015. Collection method: clinical testing. Allele origin: germline. Observed: 2 variant alleles.

Baylor Genetics
Classification: Uncertain significance for Coenzyme Q10 deficiency, primary, 3. Last evaluated: 2018-03-16. Review status: criteria provided, single submitter. Criteria: ACMG Guidelines, 2015. Collection method: clinical testing. Allele origin: unknown. Affected: yes.
Comment: This variant was determined to be of uncertain significance according to ACMG Guidelines, 2015 [PMID:25741868].

Eurofins Ntd Llc (ga)
Classification: Uncertain significance. Last evaluated: 2017-03-27. Review status: criteria provided, single submitter. Criteria: EGL Classification Definitions 2015. Collection method: clinical testing. Allele origin: germline. Observed: 1 variant allele, 1 heterozygote.

PreventionGenetics, part of Exact Sciences
Classification: Uncertain significance for PDSS2-related condition. Last evaluated: 2024-01-09. Review status: no assertion criteria provided. Collection method: clinical testing. Allele origin: germline. Not counted in ClinVar's aggregate classification.
Comment: The PDSS2 c.1046G>A variant is predicted to result in the amino acid substitution p.Arg349Gln. To our knowledge, this variant has not been reported in the literature. This variant is reported in 0.050% of alleles in individuals of European (Non-Finnish) descent in gnomAD. Although we suspect that this variant may be benign, at this time, the clinical significance of this variant is uncertain due to the absence of conclusive functional and genetic evidence.